The following is an entry in ClinVar:

ClinVar aggregate classification (germline): Uncertain significance. Review status: criteria provided, multiple submitters, no conflicts (2 of 4 stars). 2 submissions from 2 submitters: Uncertain significance (2). Last evaluated 2022-11-22.

Conditions:
Pheochromocytoma/paraganglioma syndrome 5. Also called: Paragangliomas 5; SDHA-Related Hereditary Paraganglioma-Pheochromocytoma Syndrome. Identifiers: Orphanet 29072, MedGen C3279992, MONDO:0013602, OMIM 614165.
Mitochondrial complex II deficiency, nuclear type 1. Also called: SUCCINATE CoQ REDUCTASE DEFICIENCY. Identifiers: Orphanet 3208, MedGen C5700310, MONDO:0100294, OMIM 252011.

Submissions (2):

Labcorp Genetics (formerly Invitae), Labcorp
Classification: Uncertain significance for Pheochromocytoma/paraganglioma syndrome 5; Mitochondrial complex II deficiency, nuclear type 1. Last evaluated: 2022-11-22. Review status: criteria provided, single submitter. Criteria: Invitae Variant Classification Sherloc (09022015). Collection method: clinical testing. Allele origin: germline.
Comment: This variant has not been reported in the literature in individuals affected with SDHA-related conditions. This sequence change replaces isoleucine, which is neutral and non-polar, with threonine, which is neutral and polar, at codon 239 of the SDHA protein (p.Ile239Thr). This variant is not present in population databases (gnomAD no frequency). ClinVar contains an entry for this variant (Variation ID: 1444362). Advanced modeling of protein sequence and biophysical properties (such as structural, functional, and spatial information, amino acid conservation, physicochemical variation, residue mobility, and thermodynamic stability) performed at Invitae indicates that this missense variant is not expected to disrupt SDHA protein function. In summary, the available evidence is currently insufficient to determine the role of this variant in disease. Therefore, it has been classified as a Variant of Uncertain Significance.

CeGaT Center for Human Genetics Tuebingen
Classification: Uncertain significance. Last evaluated: 2022-08-01. Review status: criteria provided, single submitter. Criteria: CeGaT Center For Human Genetics Tuebingen Variant Classification Criteria Version 2. Collection method: clinical testing. Allele origin: germline. Affected: yes. Observed: 1 variant allele.
Comment: SDHA: PM2

NM_004168.4(SDHA):c.716T>C (p.Ile239Thr)

Gene: SDHA (succinate dehydrogenase complex flavoprotein subunit A; plus strand). Cytogenetic location: 5p15.33.
Variant type: single nucleotide variant.
Coding change: c.716T>C on transcript NM_004168.4 (MANE Select); coding-DNA position 716, T replaced by C.
Protein change: p.Ile239Thr; replaces isoleucine 239 with threonine.
Molecular consequence: missense variant.
Genome position (GRCh38, 1-based): chr5:228,279, T>C. VCF-style: chr5-228279-T-C. GRCh37 (hg19) VCF-style: chr5-228394-T-C.
Other names: c.572T>C, p.Ile191Thr (NM_001294332.2); c.716T>C, p.Ile239Thr (NM_001330758.2); short protein forms I191T, I239T.
Identifiers: ClinVar variation 1444362 (VCV001444362.31), dbSNP rs1466069757, ClinGen allele CA359011028.